The following is an entry in ClinVar:

NM_021870.3(FGG):c.653C>T (p.Thr218Ile)

Gene: FGG (fibrinogen gamma chain; minus strand). Cytogenetic location: 4q32.1.
Variant type: single nucleotide variant.
Coding change: c.653C>T on transcript NM_021870.3 (MANE Select); coding-DNA position 653, C replaced by T.
Protein change: p.Thr218Ile; replaces threonine 218 with isoleucine.
Molecular consequence: missense variant.
Genome position (GRCh38, 1-based): chr4:154,609,643, G>A on the plus strand (C>T on the coding strand, the complement: FGG is on the minus strand). VCF-style: chr4-154609643-G-A. GRCh37 (hg19) VCF-style: chr4-155530795-G-A.
Other names: c.653C>T, p.Thr218Ile (NM_000509.6); short protein forms T218I.
Identifiers: ClinVar variation 2885906 (VCV002885906.3), dbSNP rs747416023, ClinGen allele CA3115588.

ClinVar aggregate classification (germline): Uncertain significance (1 of 4 stars; one submission).

Allele frequency attached by ClinVar (database versions not stated): TOPMed below 0.00001; ExAC 0.00001; gnomAD 0.00001; gnomAD exomes 0.00001.

Submission:

Labcorp Genetics (formerly Invitae), Labcorp
Classification: Uncertain significance. Last evaluated: 2023-06-09. Review status: criteria provided, single submitter. Criteria: Invitae Variant Classification Sherloc (09022015). Collection method: clinical testing. Allele origin: germline.
Comment: This sequence change replaces threonine, which is neutral and polar, with isoleucine, which is neutral and non-polar, at codon 218 of the FGG protein (p.Thr218Ile). This variant is present in population databases (rs747416023, gnomAD 0.0009%). This variant has not been reported in the literature in individuals affected with FGG-related conditions. Advanced modeling of protein sequence and biophysical properties (such as structural, functional, and spatial information, amino acid conservation, physicochemical variation, residue mobility, and thermodynamic stability) has been performed at Invitae for this missense variant, however the output from this modeling did not meet the statistical confidence thresholds required to predict the impact of this variant on FGG protein function. In summary, the available evidence is currently insufficient to determine the role of this variant in disease. Therefore, it has been classified as a Variant of Uncertain Significance.